The following is an entry in ClinVar:

ClinVar aggregate classification (germline): Benign. Review status: criteria provided, multiple submitters, no conflicts (2 of 4 stars). 5 submissions from 4 submitters: Benign (5). Last evaluated 2023-02-08.

Conditions:
Qualitative or quantitative defects of delta-sarcoglycan. Identifiers: Orphanet 207070, MedGen C5680806, MONDO:0016144.
Autosomal recessive limb-girdle muscular dystrophy type 2F (LGMDR6). Also called: Muscular dystrophy limb-girdle with delta-sarcoglyan deficiency; MUSCULAR DYSTROPHY, LIMB-GIRDLE, AUTOSOMAL RECESSIVE 6. Identifiers: Orphanet 219, MedGen C1832525, MONDO:0011028, OMIM 601287. Disease mechanism: Affects gamma-sarcoglycan and also disrupts the integrity of the entire sarcoglycan complex..
Dilated cardiomyopathy 1L (CMD1L). Identifiers: Orphanet 154, MedGen C1847667, MONDO:0011702, OMIM 606685.

Allele frequency attached by ClinVar (database versions not stated): TOPMed 0.37136; gnomAD exomes 0.42969; 1000 Genomes Project 30x 0.45050; 1000 Genomes Project 0.46046.
gnomAD v4.1: 57,519 of 152,358 alleles (38%); highest among the groups gnomAD compares: East Asian, 79%; 11,991 homozygotes.

Submissions (5):

Genome-Nilou Lab
Classification: Benign for Autosomal recessive limb-girdle muscular dystrophy type 2F. Last evaluated: 2023-02-08. Review status: criteria provided, single submitter. Criteria: ACMG Guidelines, 2015. Collection method: clinical testing. Allele origin: germline.

Genome-Nilou Lab
Classification: Benign for Dilated cardiomyopathy 1L. Last evaluated: 2023-02-08. Review status: criteria provided, single submitter. Criteria: ACMG Guidelines, 2015. Collection method: clinical testing. Allele origin: germline.

Illumina Laboratory Services, Illumina
Classification: Benign for Qualitative or quantitative defects of delta-sarcoglycan. Last evaluated: 2018-01-13. Review status: criteria provided, single submitter. Criteria: ICSL Variant Classification Criteria 13 December 2019. Collection method: clinical testing. Allele origin: germline.
Comment: This variant was observed in the ICSL laboratory as part of a predisposition screen in an ostensibly healthy population. It had not been previously curated by ICSL or reported in the Human Gene Mutation Database (HGMD: prior to June 1st, 2018), and was therefore a candidate for classification through an automated scoring system. Utilizing variant allele frequency, disease prevalence and penetrance estimates, and inheritance mode, an automated score was calculated to assess if this variant is too frequent to cause the disease. Based on the score and internal cut-off values, a variant classified as benign is not then subjected to further curation. The score for this variant resulted in a classification of benign for this disease.

GeneDx
Classification: Benign. Last evaluated: 2015-03-03. Review status: criteria provided, single submitter. Criteria: GeneDx Variant Classification Process June 2021. Collection method: clinical testing. Allele origin: germline. Affected: yes.

Laboratory for Molecular Medicine, Mass General Brigham Personalized Medicine
Classification: Benign. Last evaluated: 2011-09-16. Review status: criteria provided, single submitter. Criteria: LMM Criteria. Collection method: clinical testing. Allele origin: germline. Observed: 868 variant alleles.

NM_000337.6(SGCD):c.-94C>G

Gene: SGCD (sarcoglycan delta; plus strand). Cytogenetic location: 5q33.3.
Variant type: single nucleotide variant.
Coding change: c.-94C>G on transcript NM_000337.6 (MANE Select); 94 bases upstream of the start codon, C replaced by G.
Molecular consequence: 5 prime UTR variant.
Genome position (GRCh38, 1-based): chr5:156,327,182, C>G. VCF-style: chr5-156327182-C-G. GRCh37 (hg19) VCF-style: chr5-155754192-C-G.
Other names: c.-51C>G (NM_001128209.2); c.-94C>G (NM_172244.3).
Identifiers: ClinVar variation 48114 (VCV000048114.12), dbSNP rs13170573, ClinGen allele CA142616.